The following is an entry in ClinVar:

ClinVar aggregate classification (germline): Uncertain significance (1 of 4 stars; one submission).

Allele frequency attached by ClinVar (database versions not stated): gnomAD exomes below 0.00001.
gnomAD v4.1: 1 of 1,614,186 alleles (0.000062%); highest among the groups gnomAD compares: Non-Finnish European, 0.000085%; no homozygotes.

Submission:

Labcorp Genetics (formerly Invitae), Labcorp
Classification: Uncertain significance. Last evaluated: 2023-08-07. Review status: criteria provided, single submitter. Criteria: Invitae Variant Classification Sherloc (09022015). Collection method: clinical testing. Allele origin: germline.
Comment: Advanced modeling of protein sequence and biophysical properties (such as structural, functional, and spatial information, amino acid conservation, physicochemical variation, residue mobility, and thermodynamic stability) performed at Invitae indicates that this missense variant is not expected to disrupt TRIO protein function. This sequence change replaces leucine, which is neutral and non-polar, with methionine, which is neutral and non-polar, at codon 2581 of the TRIO protein (p.Leu2581Met). This variant is not present in population databases (gnomAD no frequency). This variant has not been reported in the literature in individuals affected with TRIO-related conditions. In summary, the available evidence is currently insufficient to determine the role of this variant in disease. Therefore, it has been classified as a Variant of Uncertain Significance.

NM_007118.4(TRIO):c.7741C>A (p.Leu2581Met)

Gene: TRIO (trio Rho guanine nucleotide exchange factor; plus strand). Cytogenetic location: 5p15.2.
Variant type: single nucleotide variant.
Coding change: c.7741C>A on transcript NM_007118.4 (MANE Select); coding-DNA position 7741, C replaced by A.
Protein change: p.Leu2581Met; replaces leucine 2581 with methionine.
Molecular consequence: missense variant. On other transcripts: non-coding transcript variant (1).
Genome position (GRCh38, 1-based): chr5:14,492,675, C>A. VCF-style: chr5-14492675-C-A. GRCh37 (hg19) VCF-style: chr5-14492784-C-A.
Other names: short protein forms L2581M.
Identifiers: ClinVar variation 2750839 (VCV002750839.3), dbSNP rs1561556188, ClinGen allele CA359238365.